The following is an entry in ClinVar:

ClinVar aggregate classification (germline): Uncertain significance (1 of 4 stars; one submission).

Allele frequency attached by ClinVar (database versions not stated): gnomAD exomes below 0.00001; TOPMed below 0.00001.
gnomAD v4.1: 6 of 1,551,576 alleles (0.00039%); highest among the groups gnomAD compares: Non-Finnish European, 0.00052%; no homozygotes.

Submission:

Labcorp Genetics (formerly Invitae), Labcorp
Classification: Uncertain significance. Last evaluated: 2023-11-24. Review status: criteria provided, single submitter. Criteria: Invitae Variant Classification Sherloc (09022015). Collection method: clinical testing. Allele origin: germline.
Comment: This sequence change replaces histidine, which is basic and polar, with arginine, which is basic and polar, at codon 339 of the FOXI3 protein (p.His339Arg). This variant is present in population databases (no rsID available, gnomAD 0.002%). This variant has not been reported in the literature in individuals affected with FOXI3-related conditions. Experimental studies and prediction algorithms are not available or were not evaluated, and the functional significance of this variant is currently unknown. In summary, the available evidence is currently insufficient to determine the role of this variant in disease. Therefore, it has been classified as a Variant of Uncertain Significance.

NM_001135649.3(FOXI3):c.1016A>G (p.His339Arg)

Gene: FOXI3 (forkhead box I3; minus strand). Cytogenetic location: 2p11.2.
Variant type: single nucleotide variant.
Coding change: c.1016A>G on transcript NM_001135649.3 (MANE Select); coding-DNA position 1016, A replaced by G.
Protein change: p.His339Arg; replaces histidine 339 with arginine.
Molecular consequence: missense variant.
Genome position (GRCh38, 1-based): chr2:88,448,454, T>C on the plus strand (A>G on the coding strand, the complement: FOXI3 is on the minus strand). VCF-style: chr2-88448454-T-C. GRCh37 (hg19) VCF-style: chr2-88747973-T-C.
Other names: short protein forms H339R.
Identifiers: ClinVar variation 2915806 (VCV002915806.3), dbSNP rs1389294080, ClinGen allele CA347764790.